The following is an entry in ClinVar:

NM_003283.6(TNNT1):c.73G>A (p.Ala25Thr)

Gene: TNNT1 (troponin T1, slow skeletal type; minus strand). Cytogenetic location: 19q13.42.
Variant type: single nucleotide variant.
Coding change: c.73G>A on transcript NM_003283.6 (MANE Select); coding-DNA position 73, G replaced by A.
Protein change: p.Ala25Thr; replaces alanine 25 with threonine.
Molecular consequence: missense variant.
Genome position (GRCh38, 1-based): chr19:55,146,681, C>T on the plus strand (G>A on the coding strand, the complement: TNNT1 is on the minus strand). VCF-style: chr19-55146681-C-T. GRCh37 (hg19) VCF-style: chr19-55658049-C-T.
Other names: c.73G>A, p.Ala25Thr (NM_001126132.3); c.73G>A, p.Glu25Lys (NM_001126133.3, NM_001291774.2); short protein forms E25K, A25T.
Identifiers: ClinVar variation 892902 (VCV000892902.14), dbSNP rs372922115, ClinGen allele CA9667627.

ClinVar aggregate classification (germline): Uncertain significance. Review status: criteria provided, multiple submitters, no conflicts (2 of 4 stars). 4 submissions from 4 submitters: Uncertain significance (4). Last evaluated 2025-02-12.

Conditions:
Nemaline myopathy 5 (NEM5A). Also called: NEMALINE MYOPATHY 5A, AUTOSOMAL RECESSIVE, SEVERE INFANTILE; Nemaline myopathy 5, Amish type; NEMALINE MYOPATHY, AMISH TYPE. Identifiers: Orphanet 98902, MedGen C1854380, MONDO:0011539, OMIM 605355.

Allele frequency attached by ClinVar (database versions not stated): gnomAD exomes 0.00016; TOPMed 0.00025; 1000 Genomes Project 0.00060; 1000 Genomes Project 30x 0.00078.
gnomAD v4.1: 318 of 1,498,496 alleles (0.021%); highest among the groups gnomAD compares: East Asian, 0.76%; 1 homozygote.

Submissions (4):

GeneDx
Classification: Uncertain significance. Last evaluated: 2025-02-12. Review status: criteria provided, single submitter. Criteria: GeneDx Variant Classification Process June 2021. Collection method: clinical testing. Allele origin: germline. Affected: yes.
Comment: Exonic -1 splice site variant in a gene for which loss of function is a known mechanism of disease, and both splice predictors and evolutionary conservation support a deleterious effect, although in the absence of functional evidence the actual effect of this sequence change is unknown.; Missense variants in this gene are a common cause of disease and they are underrepresented in the general population; In silico analysis indicates that this missense variant does not alter protein structure/function; Has not been previously published as pathogenic or benign to our knowledge

Labcorp Genetics (formerly Invitae), Labcorp
Classification: Uncertain significance for Nemaline myopathy 5. Last evaluated: 2024-09-30. Review status: criteria provided, single submitter. Criteria: Invitae Variant Classification Sherloc (09022015). Collection method: clinical testing. Allele origin: germline.
Comment: This sequence change replaces alanine, which is neutral and non-polar, with threonine, which is neutral and polar, at codon 25 of the TNNT1 protein (p.Ala25Thr). This variant also falls at the last nucleotide of exon 4, which is part of the consensus splice site for this exon. This variant is present in population databases (rs372922115, gnomAD 0.2%). This variant has not been reported in the literature in individuals affected with TNNT1-related conditions. ClinVar contains an entry for this variant (Variation ID: 892902). Experimental studies and prediction algorithms are not available or were not evaluated, and the functional significance of this variant is currently unknown. Variants that disrupt the consensus splice site are a relatively common cause of aberrant splicing (PMID: 17576681, 9536098). Algorithms developed to predict the effect of sequence changes on RNA splicing suggest that this variant may disrupt the consensus splice site. In summary, the available evidence is currently insufficient to determine the role of this variant in disease. Therefore, it has been classified as a Variant of Uncertain Significance.

Revvity Omics, Revvity
Classification: Uncertain significance. Last evaluated: 2019-06-06. Review status: criteria provided, single submitter. Criteria: ACMG Guidelines, 2015. Collection method: clinical testing. Allele origin: germline.

Illumina Laboratory Services, Illumina
Classification: Uncertain significance for Nemaline myopathy 5. Last evaluated: 2018-01-12. Review status: criteria provided, single submitter. Criteria: ICSL Variant Classification Criteria 13 December 2019. Collection method: clinical testing. Allele origin: germline.

Literature cited by the submitters: PubMed 17576681 (cited by Labcorp Genetics (formerly Invitae), Labcorp); PubMed 9536098 (cited by Labcorp Genetics (formerly Invitae), Labcorp).